The following is an entry in ClinVar:

NM_024989.4(PGAP1):c.2276A>G (p.Tyr759Cys)

Gene: PGAP1 (post-GPI attachment to proteins inositol deacylase 1; minus strand). Cytogenetic location: 2q33.1.
Variant type: single nucleotide variant.
Coding change: c.2276A>G on transcript NM_024989.4 (MANE Select); coding-DNA position 2276, A replaced by G.
Protein change: p.Tyr759Cys; replaces tyrosine 759 with cysteine.
Molecular consequence: missense variant.
Genome position (GRCh38, 1-based): chr2:196,845,892, T>C on the plus strand (A>G on the coding strand, the complement: PGAP1 is on the minus strand). VCF-style: chr2-196845892-T-C. GRCh37 (hg19) VCF-style: chr2-197710616-T-C.
Other names: c.1754A>G, p.Tyr585Cys (NM_001321099.2); c.1109A>G, p.Tyr370Cys (NM_001321100.2); short protein forms Y370C, Y585C, Y759C.
Identifiers: ClinVar variation 660021 (VCV000660021.9), dbSNP rs776817075, ClinGen allele CA2040682.

ClinVar aggregate classification (germline): Uncertain significance (1 of 4 stars; one submission).

Conditions:
Intellectual disability, autosomal recessive 42 (NEDDSBA). Also called: Neurodevelopmental disorder with dysmorphic features, spasticity, and brain abnormalities; GLYCOSYLPHOSPHATIDYLINOSITOL BIOSYNTHESIS DEFECT 9. Identifiers: Orphanet 88616, MedGen C4014343, MONDO:0014348, OMIM 615802.

Allele frequency attached by ClinVar (database versions not stated): ExAC 0.00002; gnomAD exomes 0.00002 and 0.00001; gnomAD 0.00001; TOPMed 0.00001.
gnomAD v4.1: 20 of 1,606,372 alleles (0.0012%); highest among the groups gnomAD compares: Middle Eastern, 0.017%; no homozygotes.

Submission:

Labcorp Genetics (formerly Invitae), Labcorp
Classification: Uncertain significance for Intellectual disability, autosomal recessive 42. Last evaluated: 2018-10-23. Review status: criteria provided, single submitter. Criteria: Invitae Variant Classification Sherloc (09022015). Collection method: clinical testing. Allele origin: germline.
Comment: Algorithms developed to predict the effect of sequence changes on RNA splicing suggest that this variant may create or strengthen a splice site, but this prediction has not been confirmed by published transcriptional studies. In summary, the available evidence is currently insufficient to determine the role of this variant in disease. Therefore, it has been classified as a Variant of Uncertain Significance. Algorithms developed to predict the effect of missense changes on protein structure and function are either unavailable or do not agree on the potential impact of this missense change (SIFT: "Deleterious"; PolyPhen-2: "Benign"; Align-GVGD: "Class C25"). This variant has been observed to be homozygous in a family affected with intellectual disability (PMID: 27457812). This variant is present in population databases (rs776817075, ExAC 0.003%). This sequence change replaces tyrosine with cysteine at codon 759 of the PGAP1 protein (p.Tyr759Cys). The tyrosine residue is highly conserved and there is a large physicochemical difference between tyrosine and cysteine.

Literature cited by the submitters: PubMed 27457812.